The following is an entry in ClinVar:

NM_017934.7(PHIP):c.2995C>G (p.Arg999Gly)

Genes: IRAK1BP1 (interleukin 1 receptor associated kinase 1 binding protein 1; plus strand), PHIP (PHIP subunit of CUL4-Ring ligase complex; minus strand). Cytogenetic location: 6q14.1.
Variant type: single nucleotide variant.
Coding change: c.2995C>G on transcript NM_017934.7 (MANE Select); coding-DNA position 2995, C replaced by G.
Protein change: p.Arg999Gly; replaces arginine 999 with glycine.
Molecular consequence: missense variant.
Genome position (GRCh38, 1-based): chr6:78,970,783, G>C on the plus strand (C>G on the coding strand, the complement: PHIP is on the minus strand). VCF-style: chr6-78970783-G-C. GRCh37 (hg19) VCF-style: chr6-79680500-G-C.
Other names: short protein forms R999G.
Identifiers: ClinVar variation 4992677 (VCV004992677.1).

ClinVar aggregate classification (germline): Uncertain significance (1 of 4 stars; one submission).

Conditions:
PHIP-related disorder. Also called: PHIP-related disorders; PHIP-related condition.

Submission:

PreventionGenetics, part of Exact Sciences
Classification: Uncertain significance for PHIP-related condition. Last evaluated: 2026-06-18. Review status: criteria provided, single submitter. Criteria: ACMG Guidelines, 2015. Collection method: clinical testing. Allele origin: germline.
Comment: The PHIP c.2995C>G variant is predicted to result in the amino acid substitution p.Arg999Gly. To our knowledge, this variant has not been reported in the literature or in a large population database (gnomAD), indicating this variant is rare. At this time, the clinical significance of this variant is uncertain due to the absence of conclusive functional and genetic evidence.